The following is an entry in ClinVar:

ClinVar aggregate classification (germline): Uncertain significance. Review status: criteria provided, multiple submitters, no conflicts (2 of 4 stars). 2 submissions from 2 submitters: Uncertain significance (2). Last evaluated 2025-04-14.

Conditions:
Congenital myasthenic syndrome 8. Also called: Myasthenic syndrome, congenital, 8, with pre- and postsynaptic defects; MYASTHENIC SYNDROME, CONGENITAL, DUE TO AGRIN DEFICIENCY. Identifiers: Orphanet 590, MedGen C3808739, MONDO:0014052, OMIM 615120.
Inborn genetic diseases. Identifiers: MedGen C0950123, MeSH D030342.

Allele frequency attached by ClinVar (database versions not stated): ExAC 0.00007.
gnomAD v4.1: 23 of 1,613,450 alleles (0.0014%); highest among the groups gnomAD compares: Middle Eastern, 0.016%; no homozygotes.

Submissions (2):

Labcorp Genetics (formerly Invitae), Labcorp
Classification: Uncertain significance for Congenital myasthenic syndrome 8. Last evaluated: 2025-04-14. Review status: criteria provided, single submitter. Criteria: Invitae Variant Classification Sherloc (09022015). Collection method: clinical testing. Allele origin: germline.
Comment: This sequence change replaces alanine, which is neutral and non-polar, with threonine, which is neutral and polar, at codon 854 of the AGRN protein (p.Ala854Thr). This variant is present in population databases (rs746627016, gnomAD 0.006%). This variant has not been reported in the literature in individuals affected with AGRN-related conditions. ClinVar contains an entry for this variant (Variation ID: 2339225). An algorithm developed to predict the effect of missense changes on protein structure and function (PolyPhen-2) suggests that this variant is likely to be disruptive. In summary, the available evidence is currently insufficient to determine the role of this variant in disease. Therefore, it has been classified as a Variant of Uncertain Significance.

Ambry Genetics
Classification: Uncertain significance for Inborn genetic diseases. Last evaluated: 2022-12-27. Review status: criteria provided, single submitter. Criteria: Ambry Variant Classification Scheme 2023. Collection method: clinical testing. Allele origin: germline.

NM_198576.4(AGRN):c.2560G>A (p.Ala854Thr)

Gene: AGRN (agrin; plus strand). Cytogenetic location: 1p36.33.
Variant type: single nucleotide variant.
Coding change: c.2560G>A on transcript NM_198576.4 (MANE Select); coding-DNA position 2560, G replaced by A.
Protein change: p.Ala854Thr; replaces alanine 854 with threonine.
Molecular consequence: missense variant.
Genome position (GRCh38, 1-based): chr1:1,045,756, G>A. VCF-style: chr1-1045756-G-A. GRCh37 (hg19) VCF-style: chr1-981136-G-A.
Other names: c.2560G>A, p.Ala854Thr (NM_001305275.2); c.2245G>A, p.Ala749Thr (NM_001364727.2); short protein forms A749T, A854T.
Identifiers: ClinVar variation 2339225 (VCV002339225.5), dbSNP rs746627016, ClinGen allele CA508700.